The following is an entry in ClinVar:

ClinVar aggregate classification (germline): Uncertain significance (1 of 4 stars; one submission).

Allele frequency attached by ClinVar (database versions not stated): gnomAD exomes below 0.00001 and 0.00001; ExAC 0.00001.
gnomAD v4.1: 2 of 1,613,704 alleles (0.00012%); highest among the groups gnomAD compares: Non-Finnish European, 0.00017%; no homozygotes.

Submission:

Labcorp Genetics (formerly Invitae), Labcorp
Classification: Uncertain significance. Last evaluated: 2022-10-13. Review status: criteria provided, single submitter. Criteria: Invitae Variant Classification Sherloc (09022015). Collection method: clinical testing. Allele origin: germline.
Comment: This variant has not been reported in the literature in individuals affected with SLC46A1-related conditions. In summary, the available evidence is currently insufficient to determine the role of this variant in disease. Therefore, it has been classified as a Variant of Uncertain Significance. Advanced modeling of protein sequence and biophysical properties (such as structural, functional, and spatial information, amino acid conservation, physicochemical variation, residue mobility, and thermodynamic stability) performed at Invitae indicates that this missense variant is not expected to disrupt SLC46A1 protein function. ClinVar contains an entry for this variant (Variation ID: 1396743). This variant is present in population databases (rs782595969, gnomAD 0.003%). This sequence change replaces glycine, which is neutral and non-polar, with glutamic acid, which is acidic and polar, at codon 429 of the SLC46A1 protein (p.Gly429Glu).

NM_080669.6(SLC46A1):c.1286G>A (p.Gly429Glu)

Genes: SARM1 (sterile alpha and TIR motif containing 1; plus strand), SLC46A1 (solute carrier family 46 member 1; minus strand). Cytogenetic location: 17q11.2.
Variant type: single nucleotide variant.
Coding change: c.1286G>A on transcript NM_080669.6 (MANE Select); coding-DNA position 1286, G replaced by A.
Protein change: p.Gly429Glu; replaces glycine 429 with glutamic acid.
Molecular consequence: missense variant. On other transcripts: 3 prime UTR variant (1).
Genome position (GRCh38, 1-based): chr17:28,400,646, C>T on the plus strand (G>A on the coding strand, the complement: SLC46A1 is on the minus strand). VCF-style: chr17-28400646-C-T. GRCh37 (hg19) VCF-style: chr17-26727662-C-T.
Other names: c.1202G>A, p.Gly401Glu (NM_001242366.3); c.*4360C>T (NM_015077.4); short protein forms G429E, G401E.
Identifiers: ClinVar variation 1396743 (VCV001396743.6), dbSNP rs782595969, ClinGen allele CA8458173.